The following is an entry in ClinVar:

ClinVar aggregate classification (germline): Pathogenic (1 of 4 stars; one submission).

Conditions:
JAG1-related disorder. Also called: JAG1-related condition; JAG1-related disorders.

Submissions (4):

PreventionGenetics, part of Exact Sciences
Classification: Pathogenic for JAG1-related condition. Last evaluated: 2026-04-04. Review status: criteria provided, single submitter. Criteria: ACMG Guidelines, 2015. Collection method: clinical testing. Allele origin: germline.
Comment: The JAG1 c.765C>A variant is predicted to result in premature protein termination (p.Tyr255*). This nonsense change was reported in an individual with Alagille syndrome (see for example, resulting from c.765C>G in Witt et al. 2004. PubMed ID: 14676605). The c.765C>A (p.Tyr255*) variant has not been reported in a large population database (gnomAD), indicating this variant is rare. Nonsense variants in JAG1 are expected to be pathogenic. This variant is interpreted as pathogenic.

Dr. Peter K. Rogan Lab, Western University
No classification provided (evidence only). Condition: Thyroid cancer, nonmedullary, 1. Review status: no classification provided. Collection method: in vitro. Allele origin: not applicable. Functional consequence: retained intron. Not counted in ClinVar's aggregate classification.

Dr. Peter K. Rogan Lab, Western University
No classification provided (evidence only). Condition: Nonpapillary renal cell carcinoma. Review status: no classification provided. Collection method: in vitro. Allele origin: not applicable. Functional consequence: retained intron. Not counted in ClinVar's aggregate classification.

Dr. Peter K. Rogan Lab, Western University
No classification provided (evidence only). Condition: Ovarian serous cystadenocarcinoma. Review status: no classification provided. Collection method: in vitro. Allele origin: not applicable. Functional consequence: retained intron. Not counted in ClinVar's aggregate classification.

NM_000214.3(JAG1):c.765C>A (p.Tyr255Ter)

Gene: JAG1 (jagged canonical Notch ligand 1; minus strand). Cytogenetic location: 20p12.2.
Variant type: single nucleotide variant.
Coding change: c.765C>A on transcript NM_000214.3 (MANE Select); coding-DNA position 765, C replaced by A.
Protein change: p.Tyr255Ter; replaces tyrosine 255 with a stop codon.
Molecular consequence: nonsense.
Genome position (GRCh38, 1-based): chr20:10,652,589, G>T on the plus strand (C>A on the coding strand, the complement: JAG1 is on the minus strand). VCF-style: chr20-10652589-G-T. GRCh37 (hg19) VCF-style: chr20-10633237-G-T.
Other names: NC_000020.10:g.10633237G>T; c.765C>A (NM_000214.2); short protein forms Y255*.
Identifiers: ClinVar variation 4447689 (VCV004447689.2).